The following is an entry in ClinVar:

NM_001374736.1(DST):c.19213G>A (p.Val6405Ile)

Gene: DST (dystonin; minus strand). Cytogenetic location: 6p12.1.
Variant type: single nucleotide variant.
Coding change: c.19213G>A on transcript NM_001374736.1 (MANE Select); coding-DNA position 19213, G replaced by A.
Protein change: p.Val6405Ile; replaces valine 6405 with isoleucine.
Molecular consequence: missense variant.
Genome position (GRCh38, 1-based): chr6:56,508,555, C>T on the plus strand (G>A on the coding strand, the complement: DST is on the minus strand). VCF-style: chr6-56508555-C-T. GRCh37 (hg19) VCF-style: chr6-56373353-C-T.
Other names: c.12856G>A, p.Val4286Ile (NM_001144769.5); c.12442G>A, p.Val4148Ile (NM_001144770.2); c.19213G>A, p.Val6405Ile (NM_001374722.1); c.18253G>A, p.Val6085Ile (NM_001374729.1); c.11995G>A, p.Val3999Ile (NM_001374730.1); c.19240G>A, p.Val6414Ile (NM_001374734.1); c.12322G>A, p.Val4108Ile (NM_001386100.1, NM_183380.4); c.11344G>A, p.Val3782Ile (NM_015548.5); short protein forms V3782I, V3999I, V4108I, V4148I, V4286I, V6085I, V6405I, V6414I.
Identifiers: ClinVar variation 1017739 (VCV001017739.7), dbSNP rs2096396105, ClinGen allele CA364523378.

ClinVar aggregate classification (germline): Uncertain significance (1 of 4 stars; one submission).

Conditions:
Hereditary sensory and autonomic neuropathy type 6. Also called: HSAN VI; Neuropathy, hereditary sensory and autonomic, type VI. Identifiers: Orphanet 314381, MedGen C3539003, MONDO:0013839, OMIM 614653.
Epidermolysis bullosa simplex 3, localized or generalized intermediate, with BP230 deficiency (EBS3). Also called: Epidermolysis bullosa simplex due to BP230 deficiency; Epidermolysis bullosa simplex, autosomal recessive 2. Identifiers: Orphanet 412181, MedGen C3809470, MONDO:0014180, OMIM 615425.

Submission:

Labcorp Genetics (formerly Invitae), Labcorp
Classification: Uncertain significance for Epidermolysis bullosa simplex 3, localized or generalized intermediate, with BP230 deficiency; Hereditary sensory and autonomic neuropathy type 6. Last evaluated: 2020-10-16. Review status: criteria provided, single submitter. Criteria: Invitae Variant Classification Sherloc (09022015). Collection method: clinical testing. Allele origin: germline.
Comment: This sequence change replaces valine with isoleucine at codon 3782 of the DST protein (p.Val3782Ile). The DST gene has multiple clinically relevant transcripts. This variant occurs in alternate transcript NM_015548.4, and corresponds to NM_001723.5:c.*106962G>A in the primary transcript. This variant is not present in population databases (ExAC no frequency). This variant has not been reported in the literature in individuals with DST-related conditions. Experimental studies and prediction algorithms are not available or were not evaluated, and the functional significance of this variant is currently unknown. In summary, the available evidence is currently insufficient to determine the role of this variant in disease. Therefore, it has been classified as a Variant of Uncertain Significance.